The following is an entry in ClinVar:

NM_006767.4(LZTR1):c.791+5G>C

Gene: LZTR1 (leucine zipper like post translational regulator 1; plus strand). Cytogenetic location: 22q11.21.
Variant type: single nucleotide variant.
Coding change: c.791+5G>C on transcript NM_006767.4 (MANE Select); 5 bases into the intron after coding-DNA position 791, G replaced by C.
Molecular consequence: intron variant.
Genome position (GRCh38, 1-based): chr22:20,990,530, G>C. VCF-style: chr22-20990530-G-C. GRCh37 (hg19) VCF-style: chr22-21344819-G-C.
Identifiers: ClinVar variation 3541559 (VCV003541559.1).

ClinVar aggregate classification (germline): Uncertain significance (1 of 4 stars; one submission).

Conditions:
Hereditary cancer-predisposing syndrome. Also called: Hereditary Cancer Syndrome; Hereditary neoplastic syndrome; Tumor predisposition; Neoplastic Syndromes, Hereditary. Identifiers: Orphanet 140162, MedGen C0027672, MeSH D009386, MONDO:0015356.
Cardiovascular phenotype. Identifiers: MedGen CN230736.

gnomAD v4.1: 3 of 1,607,128 alleles (0.00019%); highest among the groups gnomAD compares: Non-Finnish European, 0.00026%; no homozygotes.

Submission:

Ambry Genetics
Classification: Uncertain significance for Cardiovascular phenotype; Hereditary cancer-predisposing syndrome. Last evaluated: 2024-07-22. Review status: criteria provided, single submitter. Criteria: Ambry Variant Classification Scheme 2023. Collection method: clinical testing. Allele origin: germline.
Comment: The c.791+5G>C intronic variant results from a G to C substitution 5 nucleotides after coding exon 8 in the LZTR1 gene. This nucleotide position is highly conserved in available vertebrate species. In silico splice site analysis predicts that this alteration will weaken the native splice donor site and may result in the creation or strengthening of a novel splice donor site. Based on the available evidence, the clinical significance of this variant remains unclear.